The following is an entry in ClinVar:

ClinVar aggregate classification (germline): Likely pathogenic (0 of 4 stars; one submission).

Conditions:
Muscle eye brain disease (MEB). Also called: Santavuori congenital muscular dystrophy. Identifiers: Orphanet 588, Orphanet 899, MedGen C0457133, MONDO:0018939.

Submission:

Juha Muilu Group; Institute for Molecular Medicine Finland (FIMM)
Classification: Likely pathogenic for Muscle eye brain disease. Review status: no assertion criteria provided. Collection method: not provided. Allele origin: unknown.
Comment: FinDis database variant: This variant was not found or characterized by our laboratory, data were collected from public sources: see reference
ClinVar note: Converted during submission from probable-pathogenic to Likely pathogenic.

NM_017739.4(POMGNT1):c.25dup (p.Leu9fs)

Gene: POMGNT1 (protein O-linked mannose N-acetylglucosaminyltransferase 1 (beta 1,2-); minus strand). Cytogenetic location: 1p34.1.
Variant type: Duplication.
Coding change: c.25dup on transcript NM_017739.4 (MANE Select); coding-DNA position 25, one base duplicated (C; older notation c.25dupC).
Protein change: p.Leu9fs; shifts the reading frame from leucine 9.
Molecular consequence: frameshift variant.
Genome position (GRCh38, 1-based): chr1:46,197,797, G duplicated on the plus strand (C on the coding strand, the reverse complement: POMGNT1 is on the minus strand); the first of 5 consecutive G bases (chr1:46,197,797-46,197,801); duplicating any one gives the same sequence. VCF-style (leftmost placement, unchanged base first): chr1-46197796-A-AG. GRCh37 (hg19) VCF-style: chr1-46663468-A-AG.
Other names: c.25dup, p.Leu9fs (NM_001243766.2); c.25dupC (NM_017739.3); short protein forms L9fs.
Identifiers: ClinVar variation 56597 (VCV000056597.2), dbSNP rs386834027, ClinGen allele CA263968.
Genomic context (GRCh38, chr1:46,197,796, plus strand): 5'-AGTTTATACTTCCAGGTAAGGTACCAGCTCCGCTTCTTCCGAGCCCCAAAGGGCTTGATG[A>AG]GGGGGCTGGGCTTCCAGTCGTCCATACCGGATTGGCGGGTCACCAATGTCCTGGCCAGCC-3'